The following is an entry in ClinVar:

ClinVar aggregate classification (germline): Uncertain significance. Review status: criteria provided, multiple submitters, no conflicts (2 of 4 stars). 5 submissions from 5 submitters: Uncertain significance (5). Last evaluated 2024-11-05.

Conditions:
CHARGE syndrome (CHARGE). Also called: Coloboma, heart anomaly, choanal atresia, retardation, genital and ear anomalies; CHARGE association; Hall-Hittner syndrome; Hittner Hirsch Kreh syndrome; CHARGE ASSOCIATION--COLOBOMA, HEART ANOMALY, CHOANAL ATRESIA, RETARDATION, GENITAL AND EAR ANOMALIES. Identifiers: Orphanet 138, MedGen C0265354, MONDO:0008965.

Allele frequency attached by ClinVar (database versions not stated): gnomAD exomes below 0.00001.
gnomAD v4.1: 8 of 1,613,910 alleles (0.0005%); highest among the groups gnomAD compares: African/African-American, 0.0053%; no homozygotes.

Submissions (5):

Labcorp Genetics (formerly Invitae), Labcorp
Classification: Uncertain significance for CHARGE syndrome. Last evaluated: 2024-11-05. Review status: criteria provided, single submitter. Criteria: Invitae Variant Classification Sherloc (09022015). Collection method: clinical testing. Allele origin: germline.
Comment: This sequence change replaces glutamine, which is neutral and polar, with glutamic acid, which is acidic and polar, at codon 254 of the CHD7 protein (p.Gln254Glu). This variant is not present in population databases (gnomAD no frequency). This missense change has been observed in individual(s) with clinical features of CHARGE syndrome (PMID: 22461308). ClinVar contains an entry for this variant (Variation ID: 666811). Invitae Evidence Modeling of protein sequence and biophysical properties (such as structural, functional, and spatial information, amino acid conservation, physicochemical variation, residue mobility, and thermodynamic stability) indicates that this missense variant is not expected to disrupt CHD7 protein function with a negative predictive value of 95%. In summary, the available evidence is currently insufficient to determine the role of this variant in disease. Therefore, it has been classified as a Variant of Uncertain Significance.

Victorian Clinical Genetics Services, Murdoch Childrens Research Institute
Classification: Uncertain significance for CHD7-related CHARGE syndrome. Last evaluated: 2024-10-09. Review status: criteria provided, single submitter. Criteria: ACMG Guidelines, 2015. Collection method: clinical testing. Allele origin: germline. Inheritance: Autosomal dominant inheritance. Affected: yes.
Comment: Based on the classification scheme VCGS_Germline_v1.3.4, this variant is classified as VUS-3C. Following criteria are met: 0102 - Loss of function is a known mechanism of disease in this gene and is associated with CHARGE syndrome (MIM#214800) and hypogonadotropic hypogonadism 5 with or without anosmia (MIM#612370). (I) 0107 - This gene is associated with autosomal dominant disease. (I) 0115 - Variants in this gene are known to have variable expressivity (PMID: 20301296). (I) 0200 - Variant is predicted to result in a missense amino acid change from glutamine to glutamic acid. (I) 0251 - This variant is heterozygous. (I) 0301 - Variant is absent from gnomAD (both v2 and v3). (SP) 0503 - Missense variant consistently predicted to be tolerated by multiple in silico tools or not conserved in placental mammals with a minor amino acid change. (SB) 0604 - Variant is not located in an established domain, motif, hotspot or informative constraint region. (I) 0705 - No comparable missense variants have previous evidence for pathogenicity. (I) 0809 - Previous evidence of pathogenicity for this variant is inconclusive. This variant has been classified as a VUS by clinical laboratories in ClinVar, and was observed in an individual with CHARGE syndrome in the literature (PMIDs: 22461308, 22539353). (I) 0904 - Non-segregation of this variant with the phenotype under investigation has been clearly demonstrated. (SB) 1007 - No published functional evidence has been identified for this variant. (I) Legend: (SP) - Supporting pathogenic, (I) - Information, (SB) - Supporting benign

Blueprint Genetics
Classification: Uncertain significance. Last evaluated: 2024-09-13. Review status: criteria provided, single submitter. Criteria: ACMG Guidelines, 2015. Collection method: clinical testing. Allele origin: germline.

Genetic Services Laboratory, University of Chicago
Classification: Uncertain significance. Last evaluated: 2021-12-10. Review status: criteria provided, single submitter. Criteria: ACMG Guidelines, 2015. Collection method: clinical testing. Allele origin: germline. Affected: no.
Comment: DNA sequence analysis of the CHD7 gene demonstrated a sequence change, c.760C>G, in exon 2 that results in an amino acid change, p.Gln254Glu. This sequence change does not appear to have been previously described in individuals with CHD7-related disorders and has also not been described in the population databases such as ExAC and gnomAD. The p.Gln254Glu change affects a highly conserved amino acid residue located in a domain of the CHD7 protein that is not known to be functional. In-silico pathogenicity prediction tools (SIFT, PolyPhen2, Align GVGD, REVEL) provide contradictory results for the p.Gln254Glu substitution. Due to insufficient evidences and the lack of functional studies, the clinical significance of the p.Gln254Glu change remains unknown at this time.

Laboratory for Molecular Medicine, Mass General Brigham Personalized Medicine
Classification: Uncertain significance. Last evaluated: 2018-12-27. Review status: criteria provided, single submitter. Criteria: LMM Criteria. Collection method: clinical testing. Allele origin: germline. Observed: 1 variant allele.
Comment: The p.Gln254Glu variant in CHD7 has not been previously reported in individuals with CHARGE syndrome and was absent from large population databases. Computation al prediction tools and conservation analysis suggest that the p.Gln254Glu varia nt may impact the protein, though this information is not predictive enough to d etermine pathogenicity. In summary, the clinical significance of the p.Gln254Glu variant is uncertain. ACMG/AMP Criteria applied: PP3, PM2.

Literature cited by the submitters: PubMed 22461308 (cited by Labcorp Genetics (formerly Invitae), Labcorp and Victorian Clinical Genetics Services, Murdoch Childrens Research Institute); PubMed 20301296 (cited by Victorian Clinical Genetics Services, Murdoch Childrens Research Institute); PubMed 22539353 (cited by Victorian Clinical Genetics Services, Murdoch Childrens Research Institute).

NM_017780.4(CHD7):c.760C>G (p.Gln254Glu)

Gene: CHD7 (chromodomain helicase DNA binding protein 7; plus strand). Cytogenetic location: 8q12.2.
Variant type: single nucleotide variant.
Coding change: c.760C>G on transcript NM_017780.4 (MANE Select); coding-DNA position 760, C replaced by G.
Protein change: p.Gln254Glu; replaces glutamine 254 with glutamic acid.
Molecular consequence: missense variant.
Genome position (GRCh38, 1-based): chr8:60,742,192, C>G. VCF-style: chr8-60742192-C-G. GRCh37 (hg19) VCF-style: chr8-61654751-C-G.
Other names: c.760C>G, p.Gln254Glu (NM_001316690.1); short protein forms Q254E.
Identifiers: ClinVar variation 666811 (VCV000666811.15), dbSNP rs1554581354, ClinGen allele CA371299225.